The following is an entry in ClinVar:

NM_032387.5(WNK4):c.1801G>T (p.Ala601Ser)

Gene: WNK4 (WNK lysine deficient protein kinase 4; plus strand). Cytogenetic location: 17q21.2.
Variant type: single nucleotide variant.
Coding change: c.1801G>T on transcript NM_032387.5 (MANE Select); coding-DNA position 1801, G replaced by T.
Protein change: p.Ala601Ser; replaces alanine 601 with serine.
Molecular consequence: missense variant.
Genome position (GRCh38, 1-based): chr17:42,787,837, G>T. VCF-style: chr17-42787837-G-T. GRCh37 (hg19) VCF-style: chr17-40939855-G-T.
Other names: c.793G>T, p.Ala265Ser (NM_001321299.2); short protein forms A601S, A265S.
Identifiers: ClinVar variation 323327 (VCV000323327.17), dbSNP rs55781437, ClinGen allele CA8584096.

ClinVar aggregate classification (germline): Benign. Review status: criteria provided, multiple submitters, no conflicts (2 of 4 stars). 6 submissions from 6 submitters: Benign (6). Last evaluated 2026-02-03.

Conditions:
Pseudohypoaldosteronism type 2B (PHA2B). Also called: Pseudohypoaldosteronism Type IIB. Identifiers: Orphanet 757, Orphanet 88939, MedGen C1840390, MONDO:0013777, OMIM 614491.

Allele frequency attached by ClinVar (database versions not stated): ExAC 0.04050; ESP Exome Variant Server 0.07044; TOPMed 0.07980; 1000 Genomes Project 0.10264; 1000 Genomes Project 30x 0.10556.
gnomAD v4.1: 33,979 of 1,612,216 alleles (2.1%); highest among the groups gnomAD compares: African/African-American, 23%; 2,901 homozygotes.

Submissions (26):

Labcorp Genetics (formerly Invitae), Labcorp
Classification: Benign. Last evaluated: 2026-02-03. Review status: criteria provided, single submitter. Criteria: Invitae Variant Classification Sherloc (09022015). Collection method: clinical testing. Allele origin: germline.

Blueprint Genetics
Classification: Benign. Last evaluated: 2024-11-27. Review status: criteria provided, single submitter. Criteria: ACMG Guidelines, 2015. Collection method: clinical testing. Allele origin: germline.

Mayo Clinic Laboratories, Mayo Clinic
Classification: Benign. Last evaluated: 2023-04-06. Review status: criteria provided, single submitter. Criteria: ACMG Guidelines, 2015. Collection method: clinical testing. Allele origin: germline. Observed: 13 variant alleles.
Comment: BA1, BS2, BP4

GeneDx
Classification: Benign. Last evaluated: 2021-05-05. Review status: criteria provided, single submitter. Criteria: GeneDx Variant Classification Process June 2021. Collection method: clinical testing. Allele origin: germline. Affected: yes.
Comment: This variant is associated with the following publications: (PMID: 19340547)

Illumina Laboratory Services, Illumina
Classification: Benign for Pseudohypoaldosteronism type 2B. Last evaluated: 2018-03-06. Review status: criteria provided, single submitter. Criteria: ICSL Variant Classification Criteria 13 December 2019. Collection method: clinical testing. Allele origin: germline.
Comment: This variant was observed in the ICSL laboratory as part of a predisposition screen in an ostensibly healthy population. It had not been previously curated by ICSL or reported in the Human Gene Mutation Database (HGMD: prior to June 1st, 2018), and was therefore a candidate for classification through an automated scoring system. Utilizing variant allele frequency, disease prevalence and penetrance estimates, and inheritance mode, an automated score was calculated to assess if this variant is too frequent to cause the disease. Based on the score and internal cut-off values, a variant classified as benign is not then subjected to further curation. The score for this variant resulted in a classification of benign for this disease.

Breakthrough Genomics
Classification: Benign. Review status: criteria provided, single submitter. Criteria: ACMG Guidelines, 2015. Collection method: not provided. Allele origin: germline. Inheritance: Autosomal dominant inheritance. Affected: yes.

Dr. Peter K. Rogan Lab, Western University
No classification provided (evidence only). Condition: Lung cancer. Review status: no classification provided. Collection method: in vitro. Allele origin: not applicable. Functional consequence: retained intron. Not counted in ClinVar's aggregate classification.

Dr. Peter K. Rogan Lab, Western University
No classification provided (evidence only). Condition: Melanoma. Review status: no classification provided. Collection method: in vitro. Allele origin: not applicable. Functional consequence: retained intron. Not counted in ClinVar's aggregate classification.

Dr. Peter K. Rogan Lab, Western University
No classification provided (evidence only). Condition: Colon adenocarcinoma. Review status: no classification provided. Collection method: in vitro. Allele origin: not applicable. Functional consequence: skipped exon, retained intron. Not counted in ClinVar's aggregate classification.

Dr. Peter K. Rogan Lab, Western University
No classification provided (evidence only). Condition: Colon adenocarcinoma. Review status: no classification provided. Collection method: in vitro. Allele origin: not applicable. Functional consequence: skipped exon, retained intron. Not counted in ClinVar's aggregate classification.

Dr. Peter K. Rogan Lab, Western University
No classification provided (evidence only). Condition: Colon adenocarcinoma. Review status: no classification provided. Collection method: in vitro. Allele origin: not applicable. Functional consequence: skipped exon. Not counted in ClinVar's aggregate classification.

Dr. Peter K. Rogan Lab, Western University
No classification provided (evidence only). Condition: Colorectal cancer. Review status: no classification provided. Collection method: in vitro. Allele origin: not applicable. Functional consequence: skipped exon, retained intron. Not counted in ClinVar's aggregate classification.

Dr. Peter K. Rogan Lab, Western University
No classification provided (evidence only). Condition: Cervical cancer. Review status: no classification provided. Collection method: in vitro. Allele origin: not applicable. Functional consequence: skipped exon, retained intron. Not counted in ClinVar's aggregate classification.

Dr. Peter K. Rogan Lab, Western University
No classification provided (evidence only). Condition: Cervical cancer. Review status: no classification provided. Collection method: in vitro. Allele origin: not applicable. Functional consequence: skipped exon, retained intron. Not counted in ClinVar's aggregate classification.

Dr. Peter K. Rogan Lab, Western University
No classification provided (evidence only). Condition: Sarcoma. Review status: no classification provided. Collection method: in vitro. Allele origin: not applicable. Functional consequence: skipped exon, retained intron. Not counted in ClinVar's aggregate classification.

Dr. Peter K. Rogan Lab, Western University
No classification provided (evidence only). Condition: Sarcoma. Review status: no classification provided. Collection method: in vitro. Allele origin: not applicable. Functional consequence: retained intron. Not counted in ClinVar's aggregate classification.

Dr. Peter K. Rogan Lab, Western University
No classification provided (evidence only). Condition: Thymoma. Review status: no classification provided. Collection method: in vitro. Allele origin: not applicable. Functional consequence: retained intron. Not counted in ClinVar's aggregate classification.

Dr. Peter K. Rogan Lab, Western University
No classification provided (evidence only). Condition: Ovarian serous cystadenocarcinoma. Review status: no classification provided. Collection method: in vitro. Allele origin: not applicable. Functional consequence: retained intron. Not counted in ClinVar's aggregate classification.

Dr. Peter K. Rogan Lab, Western University
No classification provided (evidence only). Condition: Ovarian serous cystadenocarcinoma. Review status: no classification provided. Collection method: in vitro. Allele origin: not applicable. Functional consequence: retained intron. Not counted in ClinVar's aggregate classification.

Dr. Peter K. Rogan Lab, Western University
No classification provided (evidence only). Condition: Ovarian serous cystadenocarcinoma. Review status: no classification provided. Collection method: in vitro. Allele origin: not applicable. Functional consequence: skipped exon, retained intron. Not counted in ClinVar's aggregate classification.

Dr. Peter K. Rogan Lab, Western University
No classification provided (evidence only). Condition: Ovarian serous cystadenocarcinoma. Review status: no classification provided. Collection method: in vitro. Allele origin: not applicable. Functional consequence: retained intron. Not counted in ClinVar's aggregate classification.

Dr. Peter K. Rogan Lab, Western University
No classification provided (evidence only). Condition: Uterine carcinosarcoma. Review status: no classification provided. Collection method: in vitro. Allele origin: not applicable. Functional consequence: skipped exon. Not counted in ClinVar's aggregate classification.

Dr. Peter K. Rogan Lab, Western University
No classification provided (evidence only). Condition: Uterine carcinosarcoma. Review status: no classification provided. Collection method: in vitro. Allele origin: not applicable. Functional consequence: retained intron. Not counted in ClinVar's aggregate classification.

Dr. Peter K. Rogan Lab, Western University
No classification provided (evidence only). Condition: Malignant tumor of esophagus. Review status: no classification provided. Collection method: in vitro. Allele origin: not applicable. Functional consequence: skipped exon, retained intron. Not counted in ClinVar's aggregate classification.

Dr. Peter K. Rogan Lab, Western University
No classification provided (evidence only). Condition: Malignant tumor of esophagus. Review status: no classification provided. Collection method: in vitro. Allele origin: not applicable. Functional consequence: skipped exon. Not counted in ClinVar's aggregate classification.

Dr. Peter K. Rogan Lab, Western University
No classification provided (evidence only). Condition: Malignant tumor of esophagus. Review status: no classification provided. Collection method: in vitro. Allele origin: not applicable. Functional consequence: retained intron. Not counted in ClinVar's aggregate classification.